The following is an entry in ClinVar:

ClinVar aggregate classification (germline): Uncertain significance. Review status: criteria provided, multiple submitters, no conflicts (2 of 4 stars). 2 submissions from 2 submitters: Uncertain significance (2). Last evaluated 2025-09-11.

gnomAD v4.1: 3 of 1,613,072 alleles (0.00019%); highest among the groups gnomAD compares: Non-Finnish European, 0.00025%; no homozygotes.

Submissions (2):

Labcorp Genetics (formerly Invitae), Labcorp
Classification: Uncertain significance. Last evaluated: 2025-09-11. Review status: criteria provided, single submitter. Criteria: Invitae Variant Classification Sherloc (09022015). Collection method: clinical testing. Allele origin: germline.
Comment: This sequence change replaces lysine, which is basic and polar, with asparagine, which is neutral and polar, at codon 259 of the SUCLG2 protein (p.Lys259Asn). This variant is not present in population databases (gnomAD no frequency). This variant has not been reported in the literature in individuals affected with SUCLG2-related conditions. An algorithm developed to predict the effect of missense changes on protein structure and function (PolyPhen-2) suggests that this variant is likely to be disruptive. In summary, the available evidence is currently insufficient to determine the role of this variant in disease. Therefore, it has been classified as a Variant of Uncertain Significance.

Ambry Genetics
Classification: Uncertain significance. Last evaluated: 2025-08-29. Review status: criteria provided, single submitter. Criteria: Ambry Variant Classification Scheme 2023. Collection method: clinical testing. Allele origin: germline.

NM_003848.4(SUCLG2):c.777G>C (p.Lys259Asn)

Gene: SUCLG2 (succinate-CoA ligase GDP-forming subunit beta; minus strand). Cytogenetic location: 3p14.1.
Variant type: single nucleotide variant.
Coding change: c.777G>C on transcript NM_003848.4 (MANE Select); coding-DNA position 777, G replaced by C.
Protein change: p.Lys259Asn; replaces lysine 259 with asparagine.
Molecular consequence: missense variant.
Genome position (GRCh38, 1-based): chr3:67,498,276, C>G on the plus strand (G>C on the coding strand, the complement: SUCLG2 is on the minus strand). VCF-style: chr3-67498276-C-G. GRCh37 (hg19) VCF-style: chr3-67548700-C-G.
Other names: c.777G>C, p.Lys259Asn (NM_001177599.2); short protein forms K259N.
Identifiers: ClinVar variation 4177491 (VCV004177491.2).